The following is an entry in ClinVar:

ClinVar aggregate classification (germline): Uncertain significance (1 of 4 stars; one submission).

gnomAD v4.1: 1 of 1,607,816 alleles (0.000062%); highest among the groups gnomAD compares: Non-Finnish European, 0.000085%; no homozygotes.

Submission:

Labcorp Genetics (formerly Invitae), Labcorp
Classification: Uncertain significance. Last evaluated: 2025-08-04. Review status: criteria provided, single submitter. Criteria: Invitae Variant Classification Sherloc (09022015). Collection method: clinical testing. Allele origin: germline.
Comment: This sequence change replaces glycine, which is neutral and non-polar, with valine, which is neutral and non-polar, at codon 562 of the COL11A1 protein (p.Gly562Val). This variant is not present in population databases (gnomAD no frequency). This variant has not been reported in the literature in individuals affected with COL11A1-related conditions. Experimental studies and prediction algorithms are not available or were not evaluated, and the functional significance of this variant is currently unknown. In summary, the available evidence is currently insufficient to determine the role of this variant in disease. Therefore, it has been classified as a Variant of Uncertain Significance.

NM_001854.4(COL11A1):c.1685G>T (p.Gly562Val)

Gene: COL11A1 (collagen type XI alpha 1 chain; minus strand). Cytogenetic location: 1p21.1.
Variant type: single nucleotide variant.
Coding change: c.1685G>T on transcript NM_001854.4 (MANE Select); coding-DNA position 1685, G replaced by T.
Protein change: p.Gly562Val; replaces glycine 562 with valine.
Molecular consequence: missense variant. On other transcripts: non-coding transcript variant (1).
Genome position (GRCh38, 1-based): chr1:103,006,314, C>A on the plus strand (G>T on the coding strand, the complement: COL11A1 is on the minus strand). VCF-style: chr1-103006314-C-A. GRCh37 (hg19) VCF-style: chr1-103471870-C-A.
Other names: c.1568G>T, p.Gly523Val (NM_001190709.2); c.1721G>T, p.Gly574Val (NM_080629.3); c.1337G>T, p.Gly446Val (NM_080630.4); short protein forms G523V, G574V, G446V, G562V.
Identifiers: ClinVar variation 4724783 (VCV004724783.1).
Genomic context (GRCh38, chr1:103,006,314, plus strand): 5'-AGCCATACCCTTTTTCCAGGTTTTCCCGTTGGACCAGGGGGACCCTGGACGCCTCGAGGG[C>A]CCTATATCAAGACATCATAATTAAACCATATTATAGAATTCTTGATCAATAAACTCAATA-3'
Protein context (NP_001845.3, residues 552-572): KGESGDPGPQ[Gly562Val]PRGVQGPPGP